The following is an entry in ClinVar:

ClinVar aggregate classification (germline): Conflicting classifications of pathogenicity. Review status: criteria provided, conflicting classifications (1 of 4 stars). 3 submissions from 3 submitters: Uncertain significance (2); Likely benign (1). Last evaluated 2025-09-14.

Conditions:
Rothmund-Thomson syndrome type 2 (RTS2). Identifiers: Orphanet 221016, MedGen C5203410, MONDO:0016369, OMIM 268400.
Inborn genetic diseases. Identifiers: MedGen C0950123, MeSH D030342.
Baller-Gerold syndrome (BGS). Also called: CRANIOSYNOSTOSIS WITH RADIAL DEFECTS. Identifiers: Orphanet 1225, MedGen C0265308, MONDO:0009039, OMIM 218600.

Allele frequency attached by ClinVar (database versions not stated): TOPMed 0.00003.
gnomAD v4.1: 44 of 1,612,092 alleles (0.0027%); highest among the groups gnomAD compares: South Asian, 0.019%; 1 homozygote.

Submissions (3):

Labcorp Genetics (formerly Invitae), Labcorp
Classification: Uncertain significance for Baller-Gerold syndrome. Last evaluated: 2025-09-14. Review status: criteria provided, single submitter. Criteria: Invitae Variant Classification Sherloc (09022015). Collection method: clinical testing. Allele origin: germline.
Comment: This sequence change replaces arginine, which is basic and polar, with glutamine, which is neutral and polar, at codon 418 of the RECQL4 protein (p.Arg418Gln). This variant is present in population databases (rs548957135, gnomAD 0.02%), including at least one homozygous and/or hemizygous individual. This variant has not been reported in the literature in individuals affected with RECQL4-related conditions. ClinVar contains an entry for this variant (Variation ID: 835879). Invitae Evidence Modeling of protein sequence and biophysical properties (such as structural, functional, and spatial information, amino acid conservation, physicochemical variation, residue mobility, and thermodynamic stability) indicates that this missense variant is not expected to disrupt RECQL4 protein function with a negative predictive value of 80%. In summary, the available evidence is currently insufficient to determine the role of this variant in disease. Therefore, it has been classified as a Variant of Uncertain Significance.

Ambry Genetics
Classification: Likely benign for Inborn genetic diseases. Last evaluated: 2024-12-04. Review status: criteria provided, single submitter. Criteria: Ambry Variant Classification Scheme 2023. Collection method: clinical testing. Allele origin: germline.

St. Jude Molecular Pathology, St. Jude Children's Research Hospital
Classification: Uncertain significance for Rothmund-Thomson syndrome type 2. Last evaluated: 2024-06-23. Review status: criteria provided, single submitter. Criteria: St. Jude Assertion Criteria 2020. Collection method: clinical testing. Allele origin: germline.
Comment: The RECQL4 c.1253G>A (p.Arg418Gln) missense change has a maximum subpopulation frequency of 0.02% in gnomAD v2.1.1 including 1 homozygote. In silico tools predict a benign effect on protein function, but to our knowledge this prediction has not been confirmed by functional studies. To our knowledge, this variant has not been reported in individuals with RECQL4-associated conditions. In summary, the evidence currently available is insufficient to determine the clinical significance of this variant. It has therefore been classified as of uncertain significance.

NM_004260.4(RECQL4):c.1253G>A (p.Arg418Gln)

Gene: RECQL4 (RecQ like helicase 4; minus strand). Cytogenetic location: 8q24.3.
Variant type: single nucleotide variant.
Coding change: c.1253G>A on transcript NM_004260.4 (MANE Select); coding-DNA position 1253, G replaced by A.
Protein change: p.Arg418Gln; replaces arginine 418 with glutamine.
Molecular consequence: missense variant.
Genome position (GRCh38, 1-based): chr8:144,515,769, C>T on the plus strand (G>A on the coding strand, the complement: RECQL4 is on the minus strand). VCF-style: chr8-144515769-C-T. GRCh37 (hg19) VCF-style: chr8-145741153-C-T.
Other names: short protein forms R418Q.
Identifiers: ClinVar variation 835879 (VCV000835879.10), dbSNP rs548957135, ClinGen allele CA4948977.